The following is an entry in ClinVar:

ClinVar aggregate classification (germline): Uncertain significance (1 of 4 stars; one submission).

Conditions:
Hearing impairment. Also called: Impaired Hearing. Identifiers: MedGen C1384666, MONDO:0005365, HP:0000365.

Submission:

Department of Otolaryngology – Head & Neck Surgery, Cochlear Implant Center
Classification: Uncertain significance for Hearing impairment. Last evaluated: 2021-04-12. Review status: criteria provided, single submitter. Criteria: ClinGen HL ACMG Specifications v1. Collection method: clinical testing. Allele origin: germline. Affected: yes.
Comment: PM2_Moderate, PP3_Supporting

NM_194248.3(OTOF):c.874A>G (p.Thr292Ala)

Gene: OTOF (otoferlin; minus strand). Cytogenetic location: 2p23.3.
Variant type: single nucleotide variant.
Coding change: c.874A>G on transcript NM_194248.3 (MANE Select); coding-DNA position 874, A replaced by G.
Protein change: p.Thr292Ala; replaces threonine 292 with alanine.
Molecular consequence: missense variant.
Genome position (GRCh38, 1-based): chr2:26,494,965, T>C on the plus strand (A>G on the coding strand, the complement: OTOF is on the minus strand). VCF-style: chr2-26494965-T-C. GRCh37 (hg19) VCF-style: chr2-26717833-T-C.
Other names: c.874A>G, p.Thr292Ala (NM_001287489.2); short protein forms T292A.
Identifiers: ClinVar variation 1065040 (VCV001065040.3), dbSNP rs2148071933, ClinGen allele CA346138417.